The following is an entry in ClinVar:

ClinVar aggregate classification (germline): Uncertain significance. Review status: criteria provided, multiple submitters, no conflicts (2 of 4 stars). 2 submissions from 2 submitters: Uncertain significance (2). Last evaluated 2024-09-30.

Conditions:
Severe combined immunodeficiency due to DNA-PKcs deficiency. Also called: IMMUNODEFICIENCY 26 WITH NEUROLOGIC ABNORMALITIES; Immunodeficiency 26 with or without neurologic abnormalities. Identifiers: Orphanet 317425, MedGen C4014833, MONDO:0014423, OMIM 615966.

Allele frequency attached by ClinVar (database versions not stated): gnomAD exomes below 0.00001; TOPMed below 0.00001; ExAC 0.00001.
gnomAD v4.1: 2 of 1,603,036 alleles (0.00012%); highest among the groups gnomAD compares: South Asian, 0.0011%; no homozygotes.

Submissions (2):

Ambry Genetics
Classification: Uncertain significance. Last evaluated: 2024-09-30. Review status: criteria provided, single submitter. Criteria: Ambry Variant Classification Scheme 2023. Collection method: clinical testing. Allele origin: germline.
Comment: The p.T673I variant (also known as c.2018C>T), located in coding exon 18 of the PRKDC gene, results from a C to T substitution at nucleotide position 2018. The threonine at codon 673 is replaced by isoleucine, an amino acid with similar properties. This amino acid position is conserved. In addition, this alteration is predicted to be tolerated by in silico analysis. Based on the available evidence, the clinical significance of this variant remains unclear.

Labcorp Genetics (formerly Invitae), Labcorp
Classification: Uncertain significance for Severe combined immunodeficiency due to DNA-PKcs deficiency. Last evaluated: 2022-03-18. Review status: criteria provided, single submitter. Criteria: Invitae Variant Classification Sherloc (09022015). Collection method: clinical testing. Allele origin: germline.
Comment: This variant has not been reported in the literature in individuals affected with PRKDC-related conditions. Experimental studies and prediction algorithms are not available or were not evaluated, and the functional significance of this variant is currently unknown. In summary, the available evidence is currently insufficient to determine the role of this variant in disease. Therefore, it has been classified as a Variant of Uncertain Significance. This sequence change replaces threonine, which is neutral and polar, with isoleucine, which is neutral and non-polar, at codon 673 of the PRKDC protein (p.Thr673Ile). The frequency data for this variant in the population databases is considered unreliable, as metrics indicate poor data quality at this position in the gnomAD database.

NM_006904.7(PRKDC):c.2018C>T (p.Thr673Ile)

Gene: PRKDC (protein kinase, DNA-activated, catalytic subunit; minus strand). Cytogenetic location: 8q11.21.
Variant type: single nucleotide variant.
Coding change: c.2018C>T on transcript NM_006904.7 (MANE Select); coding-DNA position 2018, C replaced by T.
Protein change: p.Thr673Ile; replaces threonine 673 with isoleucine.
Molecular consequence: missense variant.
Genome position (GRCh38, 1-based): chr8:47,929,887, G>A on the plus strand (C>T on the coding strand, the complement: PRKDC is on the minus strand). VCF-style: chr8-47929887-G-A. GRCh37 (hg19) VCF-style: chr8-48842447-G-A.
Other names: c.2018C>T, p.Thr673Ile (NM_001081640.2); short protein forms T673I.
Identifiers: ClinVar variation 2418561 (VCV002418561.7), dbSNP rs776654479, ClinGen allele CA4741575.
Genomic context (GRCh38, chr8:47,929,887, plus strand): 5'-TTCAACATCCTGCAAGAAAGACTCACCTCGAAATATTTTATTTTCTTGGCATTTCTTACT[G>A]TAATAGAAAGCAATTTGTAGAAACCACTGATGAGGGGCAACCTTGTAGATTGCAAAATTA-3'
Protein context (NP_008835.5, residues 663-683): ISGFYKLLSI[Thr673Ile]VRNAKKIKYF